The following is an entry in ClinVar:

NM_000463.3(UGT1A1):c.1470C>A (p.Asp490Glu)

Genes: UGT1A (UDP glucuronosyltransferase family 1 member A complex locus; plus strand), UGT1A1 (UDP glucuronosyltransferase family 1 member A1; plus strand), UGT1A10 (UDP glucuronosyltransferase family 1 member A10; plus strand), UGT1A3 (UDP glucuronosyltransferase family 1 member A3; plus strand), UGT1A4 (UDP glucuronosyltransferase family 1 member A4; plus strand) and 5 more. Cytogenetic location: 2q37.1.
Variant type: single nucleotide variant.
Coding change: c.1470C>A on transcript NM_000463.3 (MANE Select); coding-DNA position 1470, C replaced by A.
Protein change: p.Asp490Glu; replaces aspartic acid 490 with glutamic acid.
Molecular consequence: missense variant.
Genome position (GRCh38, 1-based): chr2:233,772,427, C>A. VCF-style: chr2-233772427-C-A. GRCh37 (hg19) VCF-style: chr2-234681073-C-A.
Other names: c.1461C>A, p.Asp487Glu (NM_019075.4, NM_019076.5, NM_019077.3 and 1 more transcripts); c.1467C>A, p.Asp489Glu (NM_001072.4); c.666C>A, p.Asp222Glu (NM_205862.3); c.1473C>A, p.Asp491Glu (NM_019078.2, NM_007120.3, NM_019093.4); short protein forms D490E, D487E, D491E, D222E, D489E.
Identifiers: ClinVar variation 4995153 (VCV004995153.1).

ClinVar aggregate classification (germline): Uncertain significance (1 of 4 stars; one submission).

Conditions:
UGT1A1-related disorder. Also called: UGT1A1-related condition; UGT1A1-related disorders.

gnomAD v4.1: 2 of 1,614,222 alleles (0.00012%); highest among the groups gnomAD compares: Non-Finnish European, 0.00017%; no homozygotes.

Submission:

PreventionGenetics, part of Exact Sciences
Classification: Uncertain significance for UGT1A1-related condition. Last evaluated: 2025-11-15. Review status: criteria provided, single submitter. Criteria: ACMG Guidelines, 2015. Collection method: clinical testing. Allele origin: germline.
Comment: The UGT1A1 c.1470C>A variant is predicted to result in the amino acid substitution p.Asp490Glu. To our knowledge, this variant has not been reported in the literature or in a large population database (gnomAD), indicating this variant is rare. At this time, the clinical significance of this variant is uncertain due to the absence of conclusive functional and genetic evidence.